The following is an entry in ClinVar:

ClinVar aggregate classification (germline): Uncertain significance. Review status: criteria provided, multiple submitters, no conflicts (2 of 4 stars). 2 submissions from 2 submitters: Uncertain significance (2). Last evaluated 2024-10-08.

Conditions:
Inborn genetic diseases. Identifiers: MedGen C0950123, MeSH D030342.
Autosomal recessive mendelian susceptibility to mycobacterial diseases due to complete RORgamma receptor deficiency. Also called: Immunodeficiency 42. Identifiers: Orphanet 477857, MedGen C5567647, MONDO:0014710, OMIM 616622.

Allele frequency attached by ClinVar (database versions not stated): gnomAD exomes 0.00003; ExAC 0.00005; gnomAD 0.00005 and 0.00006; TOPMed 0.00005.
gnomAD v4.1: 146 of 1,614,028 alleles (0.009%); highest among the groups gnomAD compares: Non-Finnish European, 0.011%; no homozygotes.

Submissions (2):

Ambry Genetics
Classification: Uncertain significance for Inborn genetic diseases. Last evaluated: 2024-10-08. Review status: criteria provided, single submitter. Criteria: Ambry Variant Classification Scheme 2023. Collection method: clinical testing. Allele origin: germline.

Labcorp Genetics (formerly Invitae), Labcorp
Classification: Uncertain significance for Autosomal recessive mendelian susceptibility to mycobacterial diseases due to complete RORgamma receptor deficiency. Last evaluated: 2022-07-30. Review status: criteria provided, single submitter. Criteria: Invitae Variant Classification Sherloc (09022015). Collection method: clinical testing. Allele origin: germline.
Comment: This sequence change replaces glycine, which is neutral and non-polar, with serine, which is neutral and polar, at codon 252 of the RORC protein (p.Gly252Ser). This variant is present in population databases (rs200227947, gnomAD 0.01%). This variant has not been reported in the literature in individuals affected with RORC-related conditions. ClinVar contains an entry for this variant (Variation ID: 661973). Algorithms developed to predict the effect of missense changes on protein structure and function output the following: SIFT: "Tolerated"; PolyPhen-2: "Benign"; Align-GVGD: "Class C0". The serine amino acid residue is found in multiple mammalian species, which suggests that this missense change does not adversely affect protein function. In summary, the available evidence is currently insufficient to determine the role of this variant in disease. Therefore, it has been classified as a Variant of Uncertain Significance.

NM_005060.4(RORC):c.754G>A (p.Gly252Ser)

Gene: RORC (RAR related orphan receptor C; minus strand). Cytogenetic location: 1q21.3.
Variant type: single nucleotide variant.
Coding change: c.754G>A on transcript NM_005060.4 (MANE Select); coding-DNA position 754, G replaced by A.
Protein change: p.Gly252Ser; replaces glycine 252 with serine.
Molecular consequence: missense variant.
Genome position (GRCh38, 1-based): chr1:151,814,970, C>T on the plus strand (G>A on the coding strand, the complement: RORC is on the minus strand). VCF-style: chr1-151814970-C-T. GRCh37 (hg19) VCF-style: chr1-151787446-C-T.
Other names: c.691G>A, p.Gly231Ser (LRG_1322t2, NM_001001523.2); c.754G>A, p.Gly252Ser (LRG_1322t1); short protein forms G231S, G252S.
Identifiers: ClinVar variation 661973 (VCV000661973.7), dbSNP rs200227947, ClinGen allele CA1095863.